The following is an entry in ClinVar:

ClinVar aggregate classification (germline): Pathogenic/Likely pathogenic. Review status: criteria provided, multiple submitters, no conflicts (2 of 4 stars). 3 submissions from 3 submitters: Pathogenic (2); Likely pathogenic (1). Last evaluated 2024-06-28.

Conditions:
Primary ciliary dyskinesia. Also called: Ciliary dyskinesia. Identifiers: Orphanet 244, MedGen C0008780, MONDO:0016575, HP:0012265.
Primary ciliary dyskinesia 3. Identifiers: Orphanet 244, MedGen C1837618, MONDO:0012085, OMIM 608644.

Allele frequency attached by ClinVar (database versions not stated): gnomAD exomes below 0.00001.

Submissions (3):

Natera, Inc.
Classification: Likely pathogenic for Primary ciliary dyskinesia. Last evaluated: 2024-06-28. Review status: criteria provided, single submitter. Criteria: Natera Variant Classification Schema (03/2026). Collection method: clinical testing. Allele origin: germline.
Comment: The c.8685_8686insCC variant in DNAH5 is a frameshift variant predicted to shift the reading frame beginning at codon 2896 and leads to a stop codon 12 codons downstream. This variant is expected to result in nonsense mediated decay, truncation, or a dysfunctional protein product. This variant is rare in the general population with a frequency below the threshold expected for the associated phenotype(s). Given the available evidence, this variant is classified as Likely Pathogenic.

Myriad Genetics, Inc.
Classification: Pathogenic for Primary ciliary dyskinesia 3. Last evaluated: 2024-01-05. Review status: criteria provided, single submitter. Criteria: Myriad Autosomal Dominant, Autosomal Recessive and X-Linked Classification Criteria (2023). Collection method: clinical testing. Allele origin: unknown.
Comment: NM_001369.2(DNAH5):c.8685_8686insCC(I2896Pfs*12) is expected to be pathogenic in the context of primary ciliary dyskinesia, DNAH5-related. This variant is predicted to lead to an abnormal or absent protein product due to the creation of a premature termination codon in DNAH5, a gene where loss-of-function variants are known to be pathogenic. Please note: this variant was assessed in the context of healthy population screening.

Labcorp Genetics (formerly Invitae), Labcorp
Classification: Pathogenic for Primary ciliary dyskinesia. Last evaluated: 2023-10-12. Review status: criteria provided, single submitter. Criteria: Invitae Variant Classification Sherloc (09022015). Collection method: clinical testing. Allele origin: germline.
Comment: This sequence change creates a premature translational stop signal (p.Ile2896Profs*12) in the DNAH5 gene. It is expected to result in an absent or disrupted protein product. Loss-of-function variants in DNAH5 are known to be pathogenic (PMID: 11788826, 16627867). This variant is not present in population databases (gnomAD no frequency). This variant has not been reported in the literature in individuals affected with DNAH5-related conditions. For these reasons, this variant has been classified as Pathogenic.

Literature cited by the submitters: PubMed 11788826 (cited by Labcorp Genetics (formerly Invitae), Labcorp); PubMed 16627867 (cited by Labcorp Genetics (formerly Invitae), Labcorp).

NM_001369.3(DNAH5):c.8685_8686insCC (p.Ile2896fs)

Gene: DNAH5 (dynein axonemal heavy chain 5; minus strand). Cytogenetic location: 5p15.2.
Variant type: Insertion.
Coding change: c.8685_8686insCC on transcript NM_001369.3 (MANE Select); coding-DNA positions 8685 to 8686, CC inserted.
Protein change: p.Ile2896fs; shifts the reading frame from isoleucine 2896.
Molecular consequence: frameshift variant.
Genome position: GRCh38 VCF-style: chr5-13786313-T-TGG. GRCh37 (hg19) VCF-style: chr5-13786422-T-TGG.
Other names: c.8685_8686insCC (NM_001369.2); short protein forms I2896fs.
Identifiers: ClinVar variation 2859447 (VCV002859447.5), dbSNP rs2546713623, ClinGen allele CA2673270772.